The following is an entry in ClinVar:

ClinVar aggregate classification (germline): Benign (1 of 4 stars; one submission).

Conditions:
Triosephosphate isomerase deficiency (TPID). Also called: Triose phosphate isomerase deficiency. Identifiers: Orphanet 868, MedGen C1860808, MONDO:0014221, OMIM 615512.

Allele frequency attached by ClinVar (database versions not stated): TOPMed 0.00456; 1000 Genomes Project 0.00479; 1000 Genomes Project 30x 0.00500; gnomAD 0.00504; ESP Exome Variant Server 0.00538.
gnomAD v4.1: 1,363 of 1,506,364 alleles (0.09%); highest among the groups gnomAD compares: African/African-American, 1.6%; 12 homozygotes.

Submission:

Illumina Laboratory Services, Illumina
Classification: Benign for Triosephosphate isomerase deficiency. Last evaluated: 2018-01-13. Review status: criteria provided, single submitter. Criteria: ICSL Variant Classification Criteria 13 December 2019. Collection method: clinical testing. Allele origin: germline.
Comment: This variant was observed in the ICSL laboratory as part of a predisposition screen in an ostensibly healthy population. It had not been previously curated by ICSL or reported in the Human Gene Mutation Database (HGMD: prior to June 1st, 2018), and was therefore a candidate for classification through an automated scoring system. Utilizing variant allele frequency, disease prevalence and penetrance estimates, and inheritance mode, an automated score was calculated to assess if this variant is too frequent to cause the disease. Based on the score and internal cut-off values, a variant classified as benign is not then subjected to further curation. The score for this variant resulted in a classification of benign for this disease.

NM_000365.6(TPI1):c.*39G>A

Gene: TPI1 (triosephosphate isomerase 1; plus strand). Cytogenetic location: 12p13.31.
Variant type: single nucleotide variant.
Coding change: c.*39G>A on transcript NM_000365.6 (MANE Select); 39 bases downstream of the stop codon, G replaced by A.
Molecular consequence: 3 prime UTR variant.
Genome position (GRCh38, 1-based): chr12:6,870,422, G>A. VCF-style: chr12-6870422-G-A. GRCh37 (hg19) VCF-style: chr12-6979586-G-A.
Other names: c.*39G>A (NM_001159287.1, NM_001258026.2).
Identifiers: ClinVar variation 883010 (VCV000883010.4), dbSNP rs12692, ClinGen allele CA6419052.